The following is an entry in ClinVar:

NM_001395002.1(MAP4K4):c.3325C>G (p.Arg1109Gly)

Gene: MAP4K4 (mitogen-activated protein kinase kinase kinase kinase 4; plus strand). Cytogenetic location: 2q11.2.
Variant type: single nucleotide variant.
Coding change: c.3325C>G on transcript NM_001395002.1 (MANE Select); coding-DNA position 3325, C replaced by G.
Protein change: p.Arg1109Gly; replaces arginine 1109 with glycine.
Molecular consequence: missense variant. On other transcripts: non-coding transcript variant (4).
Genome position (GRCh38, 1-based): chr2:101,877,086, C>G. VCF-style: chr2-101877086-C-G. GRCh37 (hg19) VCF-style: chr2-102493548-C-G.
Other names: c.2890C>G, p.Arg964Gly (NM_001242559.2); c.2878C>G, p.Arg960Gly (NM_001242560.2); c.2968C>G, p.Arg990Gly (NM_001384476.1); c.3157C>G, p.Arg1053Gly (NM_001384477.1); c.2647C>G, p.Arg883Gly (NM_001384478.1); c.3085C>G, p.Arg1029Gly (NM_001384481.1); c.2638C>G, p.Arg880Gly (NM_001384482.1); c.2920C>G, p.Arg974Gly (NM_001384483.1); and 39 more; short protein forms R1011G, R1014G, R1015G, R1020G, R1021G, R1026G, R1029G, R1031G.
Identifiers: ClinVar variation 4071932 (VCV004071932.1).

ClinVar aggregate classification (germline): Uncertain significance (1 of 4 stars; one submission).

Submission:

GeneDx
Classification: Uncertain significance. Last evaluated: 2025-01-28. Review status: criteria provided, single submitter. Criteria: GeneDx Variant Classification Process June 2021. Collection method: clinical testing. Allele origin: germline. Affected: yes.
Comment: Not observed at significant frequency in large population cohorts (gnomAD); In silico analysis supports that this missense variant has a deleterious effect on protein structure/function; Has not been previously published as pathogenic or benign to our knowledge